The following is an entry in ClinVar:

NM_001374736.1(DST):c.12095G>T (p.Gly4032Val)

Gene: DST (dystonin; minus strand). Cytogenetic location: 6p12.1.
Variant type: single nucleotide variant.
Coding change: c.12095G>T on transcript NM_001374736.1 (MANE Select); coding-DNA position 12095, G replaced by T.
Protein change: p.Gly4032Val; replaces glycine 4032 with valine.
Molecular consequence: missense variant.
Genome position (GRCh38, 1-based): chr6:56,597,840, C>A on the plus strand (G>T on the coding strand, the complement: DST is on the minus strand). VCF-style: chr6-56597840-C-A. GRCh37 (hg19) VCF-style: chr6-56462638-C-A.
Other names: c.5738G>T, p.Gly1913Val (NM_001144769.5); c.5324G>T, p.Gly1775Val (NM_001144770.2); c.12095G>T, p.Gly4032Val (NM_001374722.1); c.11462G>T, p.Gly3821Val (NM_001374729.1); c.5204G>T, p.Gly1735Val (NM_001374730.1, NM_001386100.1, NM_183380.4); c.12122G>T, p.Gly4041Val (NM_001374734.1); c.4226G>T, p.Gly1409Val (NM_015548.5); short protein forms G1735V, G4041V, G1409V, G1913V, G3821V, G1775V, G4032V.
Identifiers: ClinVar variation 1406200 (VCV001406200.6), dbSNP rs2098406204, ClinGen allele CA364528492.

ClinVar aggregate classification (germline): Uncertain significance (1 of 4 stars; one submission).

Conditions:
Epidermolysis bullosa simplex 3, localized or generalized intermediate, with BP230 deficiency (EBS3). Also called: Epidermolysis bullosa simplex, autosomal recessive 2; Epidermolysis bullosa simplex due to BP230 deficiency. Identifiers: Orphanet 412181, MedGen C3809470, MONDO:0014180, OMIM 615425.
Hereditary sensory and autonomic neuropathy type 6. Also called: HSAN VI; Neuropathy, hereditary sensory and autonomic, type VI. Identifiers: Orphanet 314381, MedGen C3539003, MONDO:0013839, OMIM 614653.

Allele frequency attached by ClinVar (database versions not stated): gnomAD exomes below 0.00001.
gnomAD v4.1: 1 of 1,613,956 alleles (0.000062%); highest among the groups gnomAD compares: Non-Finnish European, 0.000085%; no homozygotes.

Submission:

Labcorp Genetics (formerly Invitae), Labcorp
Classification: Uncertain significance for Epidermolysis bullosa simplex 3, localized or generalized intermediate, with BP230 deficiency; Hereditary sensory and autonomic neuropathy type 6. Last evaluated: 2024-08-05. Review status: criteria provided, single submitter. Criteria: Invitae Variant Classification Sherloc (09022015). Collection method: clinical testing. Allele origin: germline.
Comment: The DST gene has multiple clinically relevant transcripts. This variant occurs in alternate transcript NM_015548.4, and corresponds to NM_001723.5:c.*17677G>T in the primary transcript. This sequence change replaces glycine, which is neutral and non-polar, with valine, which is neutral and non-polar, at codon 1409 of the DST protein (p.Gly1409Val). This variant is not present in population databases (gnomAD no frequency). This variant has not been reported in the literature in individuals affected with DST-related conditions. Experimental studies and prediction algorithms are not available or were not evaluated, and the functional significance of this variant is currently unknown. In summary, the available evidence is currently insufficient to determine the role of this variant in disease. Therefore, it has been classified as a Variant of Uncertain Significance.